The following is an entry in ClinVar:

ClinVar aggregate classification (germline): Likely benign (1 of 4 stars; one submission).

Allele frequency attached by ClinVar (database versions not stated): gnomAD exomes below 0.00001.
gnomAD v4.1: 1 of 1,614,130 alleles (0.000062%); highest among the groups gnomAD compares: Non-Finnish European, 0.000085%; no homozygotes.

Submission:

GeneDx
Classification: Likely benign. Last evaluated: 2015-11-23. Review status: criteria provided, single submitter. Criteria: GeneDx Variant Classification (06012015). Collection method: clinical testing. Allele origin: germline. Affected: yes.
Comment: This variant is considered likely benign or benign based on one or more of the following criteria: it is a conservative change, it occurs at a poorly conserved position in the protein, it is predicted to be benign by multiple in silico algorithms, and/or has population frequency not consistent with disease.

NM_012210.4(TRIM32):c.699G>C (p.Val233=)

Genes: ASTN2 (astrotactin 2; minus strand), TRIM32 (tripartite motif containing 32; plus strand). Cytogenetic location: 9q33.1.
Variant type: single nucleotide variant.
Coding change: c.699G>C on transcript NM_012210.4 (MANE Select); coding-DNA position 699, G replaced by C.
Protein change: p.Val233=; no amino-acid change (valine 233 retained).
Molecular consequence: synonymous variant. On other transcripts: intron variant (3).
Genome position (GRCh38, 1-based): chr9:116,698,441, G>C. VCF-style: chr9-116698441-G-C. GRCh37 (hg19) VCF-style: chr9-119460720-G-C.
Other names: c.699G>C, p.Val233= (NM_001099679.2, NM_001379048.1, NM_001379049.1 and 1 more transcripts); c.2653+27330C>G (NM_014010.5); c.2794+27330C>G (NM_001365069.1); c.2806+27330C>G (NM_001365068.1).
Identifiers: ClinVar variation 381977 (VCV000381977.1), dbSNP rs1057521228, ClinGen allele CA16605300.